The following is an entry in ClinVar:

ClinVar aggregate classification (germline): Benign/Likely benign. Review status: criteria provided, multiple submitters, no conflicts (2 of 4 stars). 6 submissions from 6 submitters: Benign (1); Likely benign (4). 1 of the submissions does not count toward it. Last evaluated 2025-09-05.

Conditions:
Birt-Hogg-Dube syndrome. Also called: Birt Hogg Dubé syndrome. Identifiers: Orphanet 122, MedGen C0346010, MONDO:0800444.
Birt-Hogg-Dube syndrome 1 (BHD1). Also called: FIBROFOLLICULOMAS WITH TRICHODISCOMAS AND ACROCHORDONS. Identifiers: Orphanet 122, MedGen CN375946, MONDO:0800445, OMIM 135150.
FLCN-related disorder. Also called: FLCN-related condition.
17p11.2 microduplication syndrome (PTLS). Also called: CHROMOSOME 17p11.2 DUPLICATION SYNDROME; Potocki-Lupski syndrome; Duplication 17p11.2 syndrome; Potocki-Lupski syndrome (dup(17)(p11.2p11.2)). Identifiers: Orphanet 1713, MedGen C2931246, MONDO:0012574, OMIM 610883.
Colorectal cancer. Also called: Colorectal cancer, somatic; Malignant Colorectal Neoplasm. Identifiers: MedGen C0346629, MONDO:0005575, OMIM 114500.
Familial spontaneous pneumothorax (PSP). Identifiers: Orphanet 2903, MedGen C1868193, MONDO:0008259, OMIM 173600.
Nonpapillary renal cell carcinoma. Identifiers: Orphanet 422526, MedGen CN074294, MONDO:0007763, OMIM 144700.
Hereditary cancer-predisposing syndrome. Also called: Neoplastic Syndromes, Hereditary; Hereditary neoplastic syndrome; Tumor predisposition; Hereditary Cancer Syndrome. Identifiers: Orphanet 140162, MedGen C0027672, MeSH D009386, MONDO:0015356.

Allele frequency attached by ClinVar (database versions not stated): gnomAD exomes below 0.00001; ExAC 0.00001; gnomAD 0.00004; TOPMed 0.00005.
gnomAD v4.1: 10 of 1,614,082 alleles (0.00062%); highest among the groups gnomAD compares: African/African-American, 0.0093%; no homozygotes.

Submissions (6):

Labcorp Genetics (formerly Invitae), Labcorp
Classification: Likely benign for Birt-Hogg-Dube syndrome. Last evaluated: 2025-09-05. Review status: criteria provided, single submitter. Criteria: Invitae Variant Classification Sherloc (09022015). Collection method: clinical testing. Allele origin: germline.

Myriad Genetics, Inc.
Classification: Benign for Birt-Hogg-Dube syndrome 1. Last evaluated: 2024-10-23. Review status: criteria provided, single submitter. Criteria: Myriad Autosomal Dominant, Autosomal Recessive and X-Linked Classification Criteria (2023). Collection method: clinical testing. Allele origin: unknown.
Comment: This variant is considered benign. This variant is a silent/synonymous amino acid change and it is not expected to impact splicing.

Fulgent Genetics
Classification: Likely benign for Colorectal cancer; Birt-Hogg-Dube syndrome 1; Nonpapillary renal cell carcinoma; Familial spontaneous pneumothorax; 17p11.2 microduplication syndrome. Last evaluated: 2021-11-18. Review status: criteria provided, single submitter. Criteria: ACMG Guidelines, 2015. Collection method: clinical testing. Allele origin: unknown.

GeneDx
Classification: Likely benign. Last evaluated: 2021-03-14. Review status: criteria provided, single submitter. Criteria: GeneDx Variant Classification Process June 2021. Collection method: clinical testing. Allele origin: germline. Affected: yes.

Ambry Genetics
Classification: Likely benign for Hereditary cancer-predisposing syndrome. Last evaluated: 2021-02-18. Review status: criteria provided, single submitter. Criteria: Ambry Variant Classification Scheme 2023. Collection method: clinical testing. Allele origin: germline.

PreventionGenetics, part of Exact Sciences
Classification: Likely benign for FLCN-related condition. Last evaluated: 2024-04-09. Review status: no assertion criteria provided. Collection method: clinical testing. Allele origin: germline. Not counted in ClinVar's aggregate classification.
Comment: This variant is classified as likely benign based on ACMG/AMP sequence variant interpretation guidelines (Richards et al. 2015 PMID: 25741868, with internal and published modifications).

NM_144997.7(FLCN):c.645C>T (p.Cys215=)

Gene: FLCN (folliculin; minus strand). Cytogenetic location: 17p11.2.
Variant type: single nucleotide variant.
Coding change: c.645C>T on transcript NM_144997.7 (MANE Select); coding-DNA position 645, C replaced by T.
Protein change: p.Cys215=; no amino-acid change (cysteine 215 retained).
Molecular consequence: synonymous variant.
Genome position (GRCh38, 1-based): chr17:17,222,635, G>A on the plus strand (C>T on the coding strand, the complement: FLCN is on the minus strand). VCF-style: chr17-17222635-G-A. GRCh37 (hg19) VCF-style: chr17-17125949-G-A.
Other names: c.699C>T, p.Cys233= (NM_001353229.2); c.645C>T, p.Cys215= (NM_001353230.2, NM_001353231.2, NM_144606.7).
Identifiers: ClinVar variation 1138930 (VCV001138930.15), dbSNP rs772360950, ClinGen allele CA8416345.